The following is an entry in ClinVar:

NM_020832.3(ZNF687):c.1162G>C (p.Val388Leu)

Gene: ZNF687 (zinc finger protein 687; plus strand). Cytogenetic location: 1q21.3.
Variant type: single nucleotide variant.
Coding change: c.1162G>C on transcript NM_020832.3 (MANE Select); coding-DNA position 1162, G replaced by C.
Protein change: p.Val388Leu; replaces valine 388 with leucine.
Molecular consequence: missense variant.
Genome position (GRCh38, 1-based): chr1:151,287,453, G>C. VCF-style: chr1-151287453-G-C. GRCh37 (hg19) VCF-style: chr1-151259929-G-C.
Other names: c.1162G>C, p.Val388Leu (NM_001304763.2, NM_001304764.2); short protein forms V388L.
Identifiers: ClinVar variation 2854077 (VCV002854077.3), dbSNP rs777320654, ClinGen allele CA1088289.

ClinVar aggregate classification (germline): Uncertain significance (1 of 4 stars; one submission).

gnomAD v4.1: 7 of 1,614,174 alleles (0.00043%); highest among the groups gnomAD compares: African/African-American, 0.0013%; no homozygotes.

Submission:

Labcorp Genetics (formerly Invitae), Labcorp
Classification: Uncertain significance. Last evaluated: 2025-12-20. Review status: criteria provided, single submitter. Criteria: Invitae Variant Classification Sherloc (09022015). Collection method: clinical testing. Allele origin: germline.
Comment: This sequence change replaces valine, which is neutral and non-polar, with leucine, which is neutral and non-polar, at codon 388 of the ZNF687 protein (p.Val388Leu). This variant is present in population databases (rs777320654, gnomAD 0.002%). This variant has not been reported in the literature in individuals affected with ZNF687-related conditions. ClinVar contains an entry for this variant (Variation ID: 2854077). An algorithm developed to predict the effect of missense changes on protein structure and function (PolyPhen-2) suggests that this variant is likely to be tolerated. In summary, the available evidence is currently insufficient to determine the role of this variant in disease. Therefore, it has been classified as a Variant of Uncertain Significance.